The following is an entry in ClinVar:

ClinVar aggregate classification (germline): Conflicting classifications of pathogenicity. Review status: criteria provided, conflicting classifications (1 of 4 stars). 2 submissions from 2 submitters: Uncertain significance (1); Likely benign (1). Last evaluated 2025-08-30.

Conditions:
Inborn genetic diseases. Identifiers: MedGen C0950123, MeSH D030342.
Autoimmune lymphoproliferative syndrome type 2B. Also called: AUTOIMMUNE LYMPHOPROLIFERATIVE SYNDROME, TYPE IIB. Identifiers: Orphanet 275517, MedGen C1846545, MONDO:0011804, OMIM 607271.

Allele frequency attached by ClinVar (database versions not stated): gnomAD 0.00001; gnomAD exomes 0.00001; ExAC 0.00003; ESP Exome Variant Server 0.00008.
gnomAD v4.1: 10 of 1,613,308 alleles (0.00062%); highest among the groups gnomAD compares: Admixed American, 0.0033%; no homozygotes.

Submissions (2):

Ambry Genetics
Classification: Likely benign for Inborn genetic diseases. Last evaluated: 2025-08-30. Review status: criteria provided, single submitter. Criteria: Ambry Variant Classification Scheme 2023. Collection method: clinical testing. Allele origin: germline.

Labcorp Genetics (formerly Invitae), Labcorp
Classification: Uncertain significance for Autoimmune lymphoproliferative syndrome type 2B. Last evaluated: 2022-09-16. Review status: criteria provided, single submitter. Criteria: Invitae Variant Classification Sherloc (09022015). Collection method: clinical testing. Allele origin: germline.
Comment: In summary, the available evidence is currently insufficient to determine the role of this variant in disease. Therefore, it has been classified as a Variant of Uncertain Significance. Algorithms developed to predict the effect of missense changes on protein structure and function are either unavailable or do not agree on the potential impact of this missense change (SIFT: "Deleterious"; PolyPhen-2: "Benign"; Align-GVGD: "Class C0"). This variant has not been reported in the literature in individuals affected with CASP8-related conditions. This variant is present in population databases (rs372378810, gnomAD 0.007%). This sequence change replaces methionine, which is neutral and non-polar, with valine, which is neutral and non-polar, at codon 108 of the CASP8 protein (p.Met108Val).

NM_001372051.1(CASP8):c.306-1990A>G

Gene: CASP8 (caspase 8; plus strand). Cytogenetic location: 2q33.1.
Variant type: single nucleotide variant.
Coding change: c.306-1990A>G on transcript NM_001372051.1 (MANE Select); 1990 bases into the intron before coding-DNA position 306, A replaced by G.
Molecular consequence: intron variant. On other transcripts: missense variant (1).
Genome position (GRCh38, 1-based): chr2:201,269,526, A>G. VCF-style: chr2-201269526-A-G. GRCh37 (hg19) VCF-style: chr2-202134249-A-G.
Other names: c.483-1990A>G (NM_001400642.1, NM_001400665.1, NM_001080125.2); c.306-1990A>G (NM_001400655.1, NM_001400662.1, NM_001400645.1 and 20 more transcripts); c.-227-1990A>G (NM_001400750.1, NM_001400751.1, NM_001400677.1 and 6 more transcripts); c.-4-1990A>G (NM_001400669.1); c.-306-1990A>G (NM_001400680.1); c.322A>G, p.Met108Val (NM_001228.5); c.-408-1990A>G (NM_001400674.1); short protein forms M108V.
Identifiers: ClinVar variation 2168995 (VCV002168995.5), dbSNP rs372378810, ClinGen allele CA2053494.